The following is an entry in ClinVar:

ClinVar aggregate classification (germline): Uncertain significance (1 of 4 stars; one submission).

Conditions:
Long QT syndrome (LQTS). Identifiers: MedGen C0023976, MeSH D008133, MONDO:0002442. Disease mechanism: loss of function. Inheritance: Various modes of inheritance.

Allele frequency attached by ClinVar (database versions not stated): gnomAD exomes below 0.00001; ExAC 0.00001.
gnomAD v4.1: 2 of 1,612,220 alleles (0.00012%); highest among the groups gnomAD compares: Non-Finnish European, 0.000085%; no homozygotes.

Submission:

Labcorp Genetics (formerly Invitae), Labcorp
Classification: Uncertain significance for Long QT syndrome. Last evaluated: 2021-03-27. Review status: criteria provided, single submitter. Criteria: Invitae Variant Classification Sherloc (09022015). Collection method: clinical testing. Allele origin: germline.
Comment: In summary, the available evidence is currently insufficient to determine the role of this variant in disease. Therefore, it has been classified as a Variant of Uncertain Significance. Algorithms developed to predict the effect of missense changes on protein structure and function (SIFT, PolyPhen-2, Align-GVGD) all suggest that this variant is likely to be disruptive, but these predictions have not been confirmed by published functional studies and their clinical significance is uncertain. This variant has not been reported in the literature in individuals with CACNA1C-related disease. This variant is present in population databases (rs771053661, ExAC no frequency). This sequence change replaces arginine with histidine at codon 1542 of the CACNA1C protein (p.Arg1542His). The arginine residue is highly conserved and there is a small physicochemical difference between arginine and histidine.

NM_000719.7(CACNA1C):c.4625G>A (p.Arg1542His)

Genes: CACNA1C (calcium voltage-gated channel subunit alpha1 C; plus strand), CACNA1C-AS2 (CACNA1C antisense RNA 2; minus strand). Cytogenetic location: 12p13.33.
Variant type: single nucleotide variant.
Coding change: c.4625G>A on transcript NM_000719.7 (MANE Select); coding-DNA position 4625, G replaced by A.
Protein change: p.Arg1542His; replaces arginine 1542 with histidine.
Molecular consequence: missense variant. On other transcripts: non-coding transcript variant (1).
Genome position (GRCh38, 1-based): chr12:2,668,934, G>A. VCF-style: chr12-2668934-G-A. GRCh37 (hg19) VCF-style: chr12-2778100-G-A.
Other names: c.4769G>A, p.Arg1590His (NM_001129827.2, NM_199460.4); c.4691G>A, p.Arg1564His (NM_001129829.2); c.4625G>A, p.Arg1542His (NM_001129830.3, NM_001129833.2, NM_001129834.2 and 7 more transcripts); c.4709G>A, p.Arg1570His (NM_001129831.2); c.4685G>A, p.Arg1562His (NM_001129832.2); c.4676G>A, p.Arg1559His (NM_001129836.2); c.4592G>A, p.Arg1531His (NM_001129837.2, NM_001129838.2, NM_001129846.2 and 1 more transcripts); c.4586G>A, p.Arg1529His (NM_001129839.2); and 1 more; short protein forms R1542H, R1590H, R1529H, R1539H, R1531H, R1570H, R1559H, R1562H.
Identifiers: ClinVar variation 575073 (VCV000575073.9), dbSNP rs771053661, ClinGen allele CA6389582.